The following is an entry in ClinVar:

ClinVar aggregate classification (germline): Uncertain significance. Review status: criteria provided, multiple submitters, no conflicts (2 of 4 stars). 2 submissions from 2 submitters: Uncertain significance (2). Last evaluated 2025-05-18.

Allele frequency attached by ClinVar (database versions not stated): gnomAD exomes 0.00001 and 0.00004; TOPMed 0.00001; gnomAD 0.00002; ExAC 0.00004.
gnomAD v4.1: 20 of 1,605,632 alleles (0.0012%); highest among the groups gnomAD compares: East Asian, 0.038%; no homozygotes.

Submissions (2):

Ambry Genetics
Classification: Uncertain significance. Last evaluated: 2025-05-18. Review status: criteria provided, single submitter. Criteria: Ambry Variant Classification Scheme 2023. Collection method: clinical testing. Allele origin: germline.

Labcorp Genetics (formerly Invitae), Labcorp
Classification: Uncertain significance. Last evaluated: 2024-06-26. Review status: criteria provided, single submitter. Criteria: Invitae Variant Classification Sherloc (09022015). Collection method: clinical testing. Allele origin: germline.
Comment: This sequence change replaces lysine, which is basic and polar, with arginine, which is basic and polar, at codon 85 of the CLUAP1 protein (p.Lys85Arg). This variant is present in population databases (rs770939011, gnomAD 0.07%), and has an allele count higher than expected for a pathogenic variant. This variant has not been reported in the literature in individuals affected with CLUAP1-related conditions. ClinVar contains an entry for this variant (Variation ID: 1044329). Advanced modeling of protein sequence and biophysical properties (such as structural, functional, and spatial information, amino acid conservation, physicochemical variation, residue mobility, and thermodynamic stability) performed at Invitae indicates that this missense variant is not expected to disrupt CLUAP1 protein function with a negative predictive value of 80%. In summary, the available evidence is currently insufficient to determine the role of this variant in disease. Therefore, it has been classified as a Variant of Uncertain Significance.

NM_015041.3(CLUAP1):c.254A>G (p.Lys85Arg)

Gene: CLUAP1 (clusterin associated protein 1; plus strand). Cytogenetic location: 16p13.3.
Variant type: single nucleotide variant.
Coding change: c.254A>G on transcript NM_015041.3 (MANE Select); coding-DNA position 254, A replaced by G.
Protein change: p.Lys85Arg; replaces lysine 85 with arginine.
Molecular consequence: missense variant.
Genome position (GRCh38, 1-based): chr16:3,508,323, A>G. VCF-style: chr16-3508323-A-G. GRCh37 (hg19) VCF-style: chr16-3558323-A-G.
Other names: c.254A>G (NM_015041.1); c.254A>G, p.Lys85Arg (NM_001330454.2); short protein forms K85R.
Identifiers: ClinVar variation 1044329 (VCV001044329.9), dbSNP rs770939011, ClinGen allele CA7863664.
Genomic context (GRCh38, chr16:3,508,323, plus strand): 5'-TTTTTTTTTTTTTGGTCTAAAAATAGGCCACCAAGGCACATATAAAACTCAACACTAAGA[A>G]GCTTTATCAAGCAGATGGGTATGCGGTAAAAGAGCTGCTGAAGATCACATCTGTCCTTTA-3'
Protein context (NP_055856.1, residues 75-95): TKAHIKLNTK[Lys85Arg]LYQADGYAVK